The following is an entry in ClinVar:

NM_017654.4(SAMD9):c.3652G>A (p.Asp1218Asn)

Gene: SAMD9 (sterile alpha motif domain containing 9; minus strand). Cytogenetic location: 7q21.2.
Variant type: single nucleotide variant.
Coding change: c.3652G>A on transcript NM_017654.4 (MANE Select); coding-DNA position 3652, G replaced by A.
Protein change: p.Asp1218Asn; replaces aspartic acid 1218 with asparagine.
Molecular consequence: missense variant.
Genome position (GRCh38, 1-based): chr7:93,102,446, C>T on the plus strand (G>A on the coding strand, the complement: SAMD9 is on the minus strand). VCF-style: chr7-93102446-C-T. GRCh37 (hg19) VCF-style: chr7-92731759-C-T.
Other names: c.3652G>A, p.Asp1218Asn (NM_001193307.2); short protein forms D1218N.
Identifiers: ClinVar variation 3949510 (VCV003949510.1).

ClinVar aggregate classification (germline): Uncertain significance (1 of 4 stars; one submission).

Conditions:
Inborn genetic diseases. Identifiers: MedGen C0950123, MeSH D030342.

Submission:

Ambry Genetics
Classification: Uncertain significance for Inborn genetic diseases. Last evaluated: 2025-04-03. Review status: criteria provided, single submitter. Criteria: Ambry Variant Classification Scheme 2023. Collection method: clinical testing. Allele origin: germline.
Comment: The p.D1218N variant (also known as c.3652G>A), located in coding exon 1 of the SAMD9 gene, results from a G to A substitution at nucleotide position 3652. The aspartic acid at codon 1218 is replaced by asparagine, an amino acid with highly similar properties. This amino acid position is conserved. In addition, this alteration is predicted to be tolerated by in silico analysis. Based on the available evidence, the clinical significance of this variant remains unclear.